The following is an entry in ClinVar:

ClinVar aggregate classification (germline): Uncertain significance (1 of 4 stars; one submission).

gnomAD v4.1: 4 of 1,590,948 alleles (0.00025%); highest among the groups gnomAD compares: Non-Finnish European, 0.00034%; no homozygotes.

Submission:

Labcorp Genetics (formerly Invitae), Labcorp
Classification: Uncertain significance. Last evaluated: 2022-11-12. Review status: criteria provided, single submitter. Criteria: Invitae Variant Classification Sherloc (09022015). Collection method: clinical testing. Allele origin: germline.
Comment: This variant has not been reported in the literature in individuals affected with IFT57-related conditions. This sequence change replaces aspartic acid, which is acidic and polar, with glycine, which is neutral and non-polar, at codon 219 of the IFT57 protein (p.Asp219Gly). This variant is not present in population databases (gnomAD no frequency). Algorithms developed to predict the effect of missense changes on protein structure and function (SIFT, PolyPhen-2, Align-GVGD) all suggest that this variant is likely to be tolerated. In summary, the available evidence is currently insufficient to determine the role of this variant in disease. Therefore, it has been classified as a Variant of Uncertain Significance.

NM_018010.4(IFT57):c.656A>G (p.Asp219Gly)

Gene: IFT57 (intraflagellar transport 57; minus strand). Cytogenetic location: 3q13.12.
Variant type: single nucleotide variant.
Coding change: c.656A>G on transcript NM_018010.4 (MANE Select); coding-DNA position 656, A replaced by G.
Protein change: p.Asp219Gly; replaces aspartic acid 219 with glycine.
Molecular consequence: missense variant.
Genome position (GRCh38, 1-based): chr3:108,191,642, T>C on the plus strand (A>G on the coding strand, the complement: IFT57 is on the minus strand). VCF-style: chr3-108191642-T-C. GRCh37 (hg19) VCF-style: chr3-107910489-T-C.
Other names: short protein forms D219G.
Identifiers: ClinVar variation 2813938 (VCV002813938.3), dbSNP rs2080215735, ClinGen allele CA353906701.